The following is an entry in ClinVar:

NM_000290.4(PGAM2):c.244G>A (p.Val82Met)

Genes: PGAM2 (phosphoglycerate mutase 2; minus strand), DBNL (drebrin like; plus strand), LOC129998343 (ATAC-STARR-seq lymphoblastoid active region 25926; plus strand). Cytogenetic location: 7p13.
Variant type: single nucleotide variant.
Coding change: c.244G>A on transcript NM_000290.4 (MANE Select); coding-DNA position 244, G replaced by A.
Protein change: p.Val82Met; replaces valine 82 with methionine.
Molecular consequence: missense variant. On other transcripts: 3 prime UTR variant (6).
Genome position (GRCh38, 1-based): chr7:44,065,286, C>T on the plus strand (G>A on the coding strand, the complement: PGAM2 is on the minus strand). VCF-style: chr7-44065286-C-T. GRCh37 (hg19) VCF-style: chr7-44104885-C-T.
Other names: c.*4370C>T (NM_001014436.3, NM_001122956.2, NM_001284313.2 and 3 more transcripts); short protein forms V82M.
Identifiers: ClinVar variation 959333 (VCV000959333.10), dbSNP rs528467394, ClinGen allele CA367369403.

ClinVar aggregate classification (germline): Uncertain significance (1 of 4 stars; one submission).

Conditions:
Glycogen storage disease type X (GSD10). Also called: GSD X; MYOPATHY DUE TO PHOSPHOGLYCERATE MUTASE DEFICIENCY; PGAMM DEFICIENCY; PHOSPHOGLYCERATE MUTASE, MUSCLE, DEFICIENCY OF; Glycogen storage disease due to phosphoglycerate mutase deficiency; Dimauro disease. Identifiers: Orphanet 97234, MedGen C0268149, MONDO:0009865, OMIM 261670.

Allele frequency attached by ClinVar (database versions not stated): TOPMed 0.00002.
gnomAD v4.1: 12 of 1,613,560 alleles (0.00074%); highest among the groups gnomAD compares: East Asian, 0.022%; no homozygotes.

Submission:

Labcorp Genetics (formerly Invitae), Labcorp
Classification: Uncertain significance for Glycogen storage disease type X. Last evaluated: 2026-01-14. Review status: criteria provided, single submitter. Criteria: Invitae Variant Classification Sherloc (09022015). Collection method: clinical testing. Allele origin: germline.
Comment: This sequence change replaces valine, which is neutral and non-polar, with methionine, which is neutral and non-polar, at codon 82 of the PGAM2 protein (p.Val82Met). This variant is present in population databases (no rsID available, gnomAD 0.04%). This variant has not been reported in the literature in individuals affected with PGAM2-related conditions. ClinVar contains an entry for this variant (Variation ID: 959333). Invitae Evidence Modeling of protein sequence and biophysical properties (such as structural, functional, and spatial information, amino acid conservation, physicochemical variation, residue mobility, and thermodynamic stability) indicates that this missense variant is not expected to disrupt PGAM2 protein function with a negative predictive value of 80%. In summary, the available evidence is currently insufficient to determine the role of this variant in disease. Therefore, it has been classified as a Variant of Uncertain Significance.